The following is an entry in ClinVar:

ClinVar aggregate classification (germline): Uncertain significance. Review status: criteria provided, multiple submitters, no conflicts (2 of 4 stars). 2 submissions from 2 submitters: Uncertain significance (2). Last evaluated 2024-10-16.

Conditions:
Tumor predisposition syndrome 3 (TPDS3). Also called: Glioma susceptibility 9; LONG TELOMERE SYNDROME, POT1-RELATED; POT1 Tumor Predisposition; Melanoma, cutaneous malignant, susceptibility to, 10. Identifiers: Orphanet 618, MedGen C4014476, MONDO:0014368, OMIM 615848.
Hereditary cancer-predisposing syndrome. Also called: Tumor predisposition; Hereditary Cancer Syndrome; Hereditary neoplastic syndrome; Neoplastic Syndromes, Hereditary. Identifiers: Orphanet 140162, MedGen C0027672, MeSH D009386, MONDO:0015356.

Allele frequency attached by ClinVar (database versions not stated): gnomAD exomes below 0.00001; gnomAD 0.00002; TOPMed 0.00002.

Submissions (2):

Labcorp Genetics (formerly Invitae), Labcorp
Classification: Uncertain significance for Tumor predisposition syndrome 3. Last evaluated: 2024-10-16. Review status: criteria provided, single submitter. Criteria: Invitae Variant Classification Sherloc (09022015). Collection method: clinical testing. Allele origin: germline.
Comment: This sequence change replaces histidine, which is basic and polar, with arginine, which is basic and polar, at codon 381 of the POT1 protein (p.His381Arg). This variant is present in population databases (no rsID available, gnomAD 0.008%). This variant has not been reported in the literature in individuals affected with POT1-related conditions. ClinVar contains an entry for this variant (Variation ID: 822233). Invitae Evidence Modeling of protein sequence and biophysical properties (such as structural, functional, and spatial information, amino acid conservation, physicochemical variation, residue mobility, and thermodynamic stability) indicates that this missense variant is not expected to disrupt POT1 protein function with a negative predictive value of 80%. In summary, the available evidence is currently insufficient to determine the role of this variant in disease. Therefore, it has been classified as a Variant of Uncertain Significance.

Ambry Genetics
Classification: Uncertain significance for Hereditary cancer-predisposing syndrome. Last evaluated: 2024-03-14. Review status: criteria provided, single submitter. Criteria: Ambry Variant Classification Scheme 2023. Collection method: clinical testing. Allele origin: germline.
Comment: The p.H381R variant (also known as c.1142A>G), located in coding exon 9 of the POT1 gene, results from an A to G substitution at nucleotide position 1142. The histidine at codon 381 is replaced by arginine, an amino acid with highly similar properties. This amino acid position is poorly conserved in available vertebrate species. In addition, this alteration is predicted to be tolerated by in silico analysis. Since supporting evidence is limited at this time, the clinical significance of this alteration remains unclear.

NM_015450.3(POT1):c.1142A>G (p.His381Arg)

Gene: POT1 (protection of telomeres 1; minus strand). Cytogenetic location: 7q31.33.
Variant type: single nucleotide variant.
Coding change: c.1142A>G on transcript NM_015450.3 (MANE Select); coding-DNA position 1142, A replaced by G.
Protein change: p.His381Arg; replaces histidine 381 with arginine.
Molecular consequence: missense variant. On other transcripts: non-coding transcript variant (3).
Genome position (GRCh38, 1-based): chr7:124,842,828, T>C on the plus strand (A>G on the coding strand, the complement: POT1 is on the minus strand). VCF-style: chr7-124842828-T-C. GRCh37 (hg19) VCF-style: chr7-124482882-T-C.
Other names: c.749A>G, p.His250Arg (NM_001042594.2); short protein forms H250R, H381R.
Identifiers: ClinVar variation 822233 (VCV000822233.10), dbSNP rs1342448188, ClinGen allele CA369068161.